The following is an entry in ClinVar:

ClinVar aggregate classification (germline): Pathogenic (1 of 4 stars; one submission).

Conditions:
2-aminoadipic 2-oxoadipic aciduria (AAKAD). Also called: Aminoadipic aciduria; ALPHA-AMINOADIPIC AND ALPHA-KETOADIPIC ACIDURIA. Identifiers: Orphanet 79154, MedGen C1859817, MONDO:0008774, OMIM 204750.

Allele frequency attached by ClinVar (database versions not stated): gnomAD 0.00002; ExAC 0.00003; ESP Exome Variant Server 0.00008.
gnomAD v4.1: 3 of 1,601,178 alleles (0.00019%); highest among the groups gnomAD compares: African/African-American, 0.004%; no homozygotes.

Submission:

Labcorp Genetics (formerly Invitae), Labcorp
Classification: Pathogenic for 2-aminoadipic 2-oxoadipic aciduria. Last evaluated: 2023-05-01. Review status: criteria provided, single submitter. Criteria: Invitae Variant Classification Sherloc (09022015). Collection method: clinical testing. Allele origin: germline.
Comment: This sequence change creates a premature translational stop signal (p.Gln235*) in the DHTKD1 gene. It is expected to result in an absent or disrupted protein product. Loss-of-function variants in DHTKD1 are known to be pathogenic (PMID: 23141293, 25860818). This variant is present in population databases (rs373040245, gnomAD 0.02%). This variant has not been reported in the literature in individuals affected with DHTKD1-related conditions. For these reasons, this variant has been classified as Pathogenic.

Literature cited by the submitters: PubMed 23141293; PubMed 25860818.

NM_018706.7(DHTKD1):c.703C>T (p.Gln235Ter)

Gene: DHTKD1 (dehydrogenase E1 and transketolase domain containing 1; plus strand). Cytogenetic location: 10p14.
Variant type: single nucleotide variant.
Coding change: c.703C>T on transcript NM_018706.7 (MANE Select); coding-DNA position 703, C replaced by T.
Protein change: p.Gln235Ter; replaces glutamine 235 with a stop codon.
Molecular consequence: nonsense.
Genome position (GRCh38, 1-based): chr10:12,087,715, C>T. VCF-style: chr10-12087715-C-T. GRCh37 (hg19) VCF-style: chr10-12129714-C-T.
Other names: short protein forms Q235*.
Identifiers: ClinVar variation 2987860 (VCV002987860.3), dbSNP rs373040245, ClinGen allele CA5407611.